The following is an entry in ClinVar:

NM_205768.3(ZBTB18):c.1457A>G (p.Gln486Arg)

Gene: ZBTB18 (zinc finger and BTB domain containing 18; plus strand). Cytogenetic location: 1q44.
Variant type: single nucleotide variant.
Coding change: c.1457A>G on transcript NM_205768.3 (MANE Select); coding-DNA position 1457, A replaced by G.
Protein change: p.Gln486Arg; replaces glutamine 486 with arginine.
Molecular consequence: missense variant. On other transcripts: 3 prime UTR variant (1).
Genome position (GRCh38, 1-based): chr1:244,055,231, A>G. VCF-style: chr1-244055231-A-G. GRCh37 (hg19) VCF-style: chr1-244218533-A-G.
Other names: c.1430A>G, p.Gln477Arg (NM_001278196.2, NM_006352.5); c.*634A>G (NM_001421566.1); short protein forms Q477R, Q486R.
Identifiers: ClinVar variation 4082574 (VCV004082574.1).

ClinVar aggregate classification (germline): Likely pathogenic (1 of 4 stars; one submission).

Submission:

GeneDx
Classification: Likely pathogenic. Last evaluated: 2025-03-11. Review status: criteria provided, single submitter. Criteria: GeneDx Variant Classification Process June 2021. Collection method: clinical testing. Allele origin: germline. Affected: yes.
Comment: Reported as a de novo variant in an patient in published literature from a cohort of individuals with developmental disorders; however, detailed clinical information was not provided and de novo variants in other genes were also reported (PMID: 33057194); Not observed at significant frequency in large population cohorts (gnomAD); In silico analysis supports that this missense variant has a deleterious effect on protein structure/function; This variant is associated with the following publications: (PMID: 35982159, 33057194)